The following is an entry in ClinVar:

ClinVar aggregate classification (germline): Conflicting classifications of pathogenicity. Review status: criteria provided, conflicting classifications (1 of 4 stars). 2 submissions from 2 submitters: Uncertain significance (1); Likely benign (1). Last evaluated 2026-06-25.

Conditions:
GUCY2D-related disorder. Also called: GUCY2D-related condition.
Cone-rod dystrophy 6 (CORD6). Also called: Cone dystrophy progressive; RETINAL CONE DYSTROPHY 2. Identifiers: Orphanet 1872, MedGen C1866293, MONDO:0011143, OMIM 601777.
Leber congenital amaurosis 1 (LCA1). Also called: AMAUROSIS CONGENITA OF LEBER I; RETINAL BLINDNESS, CONGENITAL; Congenital absence of the rods and cones; Leber's congenital tapetoretinal degeneration; Leber's congenital tapetoretinal dysplasia. Identifiers: Orphanet 65, MedGen C2931258, MONDO:0008764, OMIM 204000.

Allele frequency attached by ClinVar (database versions not stated): gnomAD exomes below 0.00001.
gnomAD v4.1: 4 of 1,558,254 alleles (0.00026%); highest among the groups gnomAD compares: Non-Finnish European, 0.00026%; no homozygotes.

Submissions (2):

PreventionGenetics, part of Exact Sciences
Classification: Likely benign for GUCY2D-related condition. Last evaluated: 2026-06-25. Review status: criteria provided, single submitter. Criteria: ACMG Guidelines, 2015. Collection method: clinical testing. Allele origin: germline.
Comment: This variant is classified as likely benign based on ACMG/AMP sequence variant interpretation guidelines (Richards et al. 2015 PMID: 25741868, with internal and published modifications).

Labcorp Genetics (formerly Invitae), Labcorp
Classification: Uncertain significance for Leber congenital amaurosis 1; Cone-rod dystrophy 6. Last evaluated: 2024-09-25. Review status: criteria provided, single submitter. Criteria: Invitae Variant Classification Sherloc (09022015). Collection method: clinical testing. Allele origin: germline.
Comment: This sequence change falls in intron 18 of the GUCY2D gene. It does not directly change the encoded amino acid sequence of the GUCY2D protein. It affects a nucleotide within the consensus splice site. This variant is not present in population databases (gnomAD no frequency). This variant has not been reported in the literature in individuals affected with GUCY2D-related conditions. ClinVar contains an entry for this variant (Variation ID: 2160396). Variants that disrupt the consensus splice site are a relatively common cause of aberrant splicing (PMID: 17576681, 9536098). Algorithms developed to predict the effect of sequence changes on RNA splicing suggest that this variant is not likely to affect RNA splicing. In summary, the available evidence is currently insufficient to determine the role of this variant in disease. Therefore, it has been classified as a Variant of Uncertain Significance.

Literature cited by the submitters: PubMed 17576681 (cited by Labcorp Genetics (formerly Invitae), Labcorp); PubMed 9536098 (cited by Labcorp Genetics (formerly Invitae), Labcorp).

NM_000180.4(GUCY2D):c.3224+6G>A

Gene: GUCY2D (guanylate cyclase 2D, retinal; plus strand). Cytogenetic location: 17p13.1.
Variant type: single nucleotide variant.
Coding change: c.3224+6G>A on transcript NM_000180.4 (MANE Select); 6 bases into the intron after coding-DNA position 3224, G replaced by A.
Molecular consequence: intron variant.
Genome position (GRCh38, 1-based): chr17:8,016,296, G>A. VCF-style: chr17-8016296-G-A. GRCh37 (hg19) VCF-style: chr17-7919614-G-A.
Other names: c.3224+6G>A (NM_000180.3).
Identifiers: ClinVar variation 2160396 (VCV002160396.5), dbSNP rs1975973846, ClinGen allele CA2246122207.
Genomic context (GRCh38, chr17:8,016,296, plus strand): 5'-TGGGCAGACGCGGCTTCAACAAGCCCATCCCCAAACCGCCTGACCTGCAACCGGGGTGAG[G>A]GGCCGGCCTCCGCGGCAGGGCGAGGGACGAGGGACCCCTGCCTCCTGCTCTGTGTCTGAC-3'